The following is an entry in ClinVar:

NM_000540.3(RYR1):c.124G>C (p.Gly42Arg)

Gene: RYR1 (ryanodine receptor 1; plus strand). Cytogenetic location: 19q13.2.
Variant type: single nucleotide variant.
Coding change: c.124G>C on transcript NM_000540.3 (MANE Select); coding-DNA position 124, G replaced by C.
Protein change: p.Gly42Arg; replaces glycine 42 with arginine.
Molecular consequence: missense variant.
Genome position (GRCh38, 1-based): chr19:38,440,823, G>C. VCF-style: chr19-38440823-G-C. GRCh37 (hg19) VCF-style: chr19-38931463-G-C.
Other names: c.124G>C, p.Gly42Arg (NM_001042723.2); short protein forms G42R.
Identifiers: ClinVar variation 521422 (VCV000521422.10), dbSNP rs759417601, ClinGen allele CA405671937.

ClinVar aggregate classification (germline): Uncertain significance. Review status: criteria provided, multiple submitters, no conflicts (2 of 4 stars). 3 submissions from 3 submitters: Uncertain significance (3). Last evaluated 2024-08-09.

Conditions:
RYR1-related disorder. Also called: RYR1-related condition; RYR1-related disorders. Identifiers: MedGen CN239331.
Inborn genetic diseases. Identifiers: MedGen C0950123, MeSH D030342.

gnomAD v4.1: 3 of 1,610,174 alleles (0.00019%); highest among the groups gnomAD compares: Non-Finnish European, 0.00025%; no homozygotes.

Submissions (3):

Revvity Omics, Revvity
Classification: Uncertain significance. Last evaluated: 2024-08-09. Review status: criteria provided, single submitter. Criteria: ACMG Guidelines, 2015. Collection method: clinical testing. Allele origin: germline.

Labcorp Genetics (formerly Invitae), Labcorp
Classification: Uncertain significance for RYR1-related disorder. Last evaluated: 2021-10-03. Review status: criteria provided, single submitter. Criteria: Invitae Variant Classification Sherloc (09022015). Collection method: clinical testing. Allele origin: germline.
Comment: In summary, the available evidence is currently insufficient to determine the role of this variant in disease. Therefore, it has been classified as a Variant of Uncertain Significance. Advanced modeling of protein sequence and biophysical properties (such as structural, functional, and spatial information, amino acid conservation, physicochemical variation, residue mobility, and thermodynamic stability) performed at Invitae indicates that this missense variant is expected to disrupt RYR1 protein function. ClinVar contains an entry for this variant (Variation ID: 521422). This variant has not been reported in the literature in individuals affected with RYR1-related conditions. This variant is not present in population databases (ExAC no frequency). This sequence change replaces glycine with arginine at codon 42 of the RYR1 protein (p.Gly42Arg). The glycine residue is moderately conserved and there is a moderate physicochemical difference between glycine and arginine.

Ambry Genetics
Classification: Uncertain significance for Inborn genetic diseases. Last evaluated: 2016-12-06. Review status: criteria provided, single submitter. Criteria: Ambry exome assertion method (8-5-2015). Collection method: clinical testing. Allele origin: germline. Affected: yes. Observed: 1 variant allele.